The following is an entry in ClinVar:

NM_001042492.3(NF1):c.198_200del (p.Asn67del)

Gene: NF1 (neurofibromin 1; plus strand). Cytogenetic location: 17q11.2.
Variant type: Deletion.
Coding change: c.198_200del on transcript NM_001042492.3 (MANE Select); coding-DNA positions 198 to 200, 3 bases deleted (CAA; older notation c.198_200delCAA).
Protein change: p.Asn67del; deletes asparagine 67.
Molecular consequence: inframe deletion. On other transcripts: inframe indel (1).
Genome position (GRCh38, 1-based): chr17:31,156,120-31,156,122, CAA deleted; deleting any 3 consecutive bases within chr17:31,156,118-31,156,122 gives the same sequence; the c. name uses the placement nearest the transcript's 3' end. VCF-style (leftmost placement, unchanged base first): chr17-31156117-TAAC-T. GRCh37 (hg19) VCF-style: chr17-29483135-TAAC-T.
Other names: c.198_200delCAA, p.Asn67del (NM_000267.4); c.198_200del, p.Asn67del (NM_001128147.3); short protein forms N67del.
Identifiers: ClinVar variation 2099190 (VCV002099190.4), dbSNP rs2544681839, ClinGen allele CA2580092837.

ClinVar aggregate classification (germline): Uncertain significance (1 of 4 stars; one submission).

Conditions:
Neurofibromatosis, type 1 (NF1). Also called: Peripheral type neurofibromatosis; NEUROFIBROMATOSIS, TYPE I, SOMATIC; VON RECKLINGHAUSEN DISEASE; Neurofibromatosis, type I. Identifiers: Orphanet 636, MedGen C0027831, MONDO:0018975, OMIM 162200. Disease mechanism: loss of function.

Submission:

Labcorp Genetics (formerly Invitae), Labcorp
Classification: Uncertain significance for Neurofibromatosis, type 1. Last evaluated: 2025-08-09. Review status: criteria provided, single submitter. Criteria: Invitae Variant Classification Sherloc (09022015). Collection method: clinical testing. Allele origin: germline.
Comment: This variant, c.198_200del, results in the deletion of 1 amino acid(s) of the NF1 protein (p.Asn67del), but otherwise preserves the integrity of the reading frame. This variant is not present in population databases (gnomAD no frequency). This variant has not been reported in the literature in individuals affected with NF1-related conditions. ClinVar contains an entry for this variant (Variation ID: 2099190). Experimental studies and prediction algorithms are not available or were not evaluated, and the functional significance of this variant is currently unknown. In summary, the available evidence is currently insufficient to determine the role of this variant in disease. Therefore, it has been classified as a Variant of Uncertain Significance.